The following is an entry in ClinVar:

ClinVar aggregate classification (germline): Likely pathogenic. Review status: criteria provided, multiple submitters, no conflicts (2 of 4 stars). 3 submissions from 3 submitters: Likely pathogenic (2). 1 of the submissions does not count toward it. Last evaluated 2025-05-02.

Conditions:
Glutaric acidemia type 2A.
Glutaric acidemia IIa. Also called: ETFA deficiency. Identifiers: MedGen C3278154, MONDO:0700073.
Multiple acyl-CoA dehydrogenase deficiency (MADD). Also called: Glutaric acidemia type II; GA 2; Glutaric aciduria, type 2; Glutaric Acidemia type 2; ETHYLMALONIC-ADIPICACIDURIA; GA II. Identifiers: Orphanet 26791, MedGen C0268596, MONDO:0009282, OMIM 231680.

Allele frequency attached by ClinVar (database versions not stated): gnomAD exomes 0.00001; ExAC 0.00002; TOPMed 0.00002; gnomAD 0.00003.
gnomAD v4.1: 12 of 1,611,362 alleles (0.00074%); highest among the groups gnomAD compares: African/African-American, 0.004%; no homozygotes.

Submissions (3):

Natera, Inc.
Classification: Likely pathogenic for Glutaric acidemia type 2A. Last evaluated: 2025-05-02. Review status: criteria provided, single submitter. Criteria: Natera Variant Classification Schema (03/2026). Collection method: clinical testing. Allele origin: germline.
Comment: The c.346G>A variant in ETFA is a missense variant predicted to cause substitution of glycine to arginine at amino acid 116. This variant is rare in the general population with a frequency below the threshold expected for the associated phenotype(s). This variant has been observed in one or more individuals affected with the associated recessive disease, as either homozygous or compound heterozygous with a second variant (PMID: 1430199). Functional studies show that this variant may disrupt protein function (PMID: 2320399). Computational prediction algorithms indicate this variant is likely to affect gene or protein function. Given the available evidence, this variant is classified as Likely Pathogenic.

Baylor Genetics
Classification: Likely pathogenic for Multiple acyl-CoA dehydrogenase deficiency. Last evaluated: 2024-01-16. Review status: criteria provided, single submitter. Criteria: ACMG Guidelines, 2015. Collection method: clinical testing. Allele origin: unknown.

OMIM
Classification: Pathogenic for GLUTARIC ACIDEMIA IIA. Last evaluated: 1992-11-01. Review status: no assertion criteria provided. Collection method: literature only. Allele origin: germline. Not counted in ClinVar's aggregate classification.

Literature cited by the submitters: PubMed 1430199 (cited by Natera, Inc. and OMIM); PubMed 2320399 (cited by Natera, Inc.).

NM_000126.4(ETFA):c.346G>A (p.Gly116Arg)

Gene: ETFA (electron transfer flavoprotein subunit alpha; minus strand). Cytogenetic location: 15q24.2.
Variant type: single nucleotide variant.
Coding change: c.346G>A on transcript NM_000126.4 (MANE Select); coding-DNA position 346, G replaced by A.
Protein change: p.Gly116Arg; replaces glycine 116 with arginine.
Molecular consequence: missense variant.
Genome position (GRCh38, 1-based): chr15:76,292,436, C>T on the plus strand (G>A on the coding strand, the complement: ETFA is on the minus strand). VCF-style: chr15-76292436-C-T. GRCh37 (hg19) VCF-style: chr15-76584777-C-T.
Other names: c.199G>A, p.Gly67Arg (NM_001127716.2); c.346G>A (NM_000126.3); short protein forms G116R, G67R.
Identifiers: ClinVar variation 2595 (VCV000002595.4), dbSNP rs119458971, ClinGen allele CA115639.